The following is an entry in ClinVar:

ClinVar aggregate classification (germline): Uncertain significance. Review status: criteria provided, multiple submitters, no conflicts (2 of 4 stars). 2 submissions from 2 submitters: Uncertain significance (2). Last evaluated 2025-03-23.

Conditions:
Renal cell carcinoma. Identifiers: Orphanet 217071, MedGen C0007134, MeSH D002292, MONDO:0005086, HP:0005584.
Hereditary cancer-predisposing syndrome. Also called: Hereditary Cancer Syndrome; Tumor predisposition; Hereditary neoplastic syndrome; Neoplastic Syndromes, Hereditary. Identifiers: Orphanet 140162, MedGen C0027672, MeSH D009386, MONDO:0015356.

Submissions (2):

Labcorp Genetics (formerly Invitae), Labcorp
Classification: Uncertain significance for Renal cell carcinoma. Last evaluated: 2025-03-23. Review status: criteria provided, single submitter. Criteria: Invitae Variant Classification Sherloc (09022015). Collection method: clinical testing. Allele origin: germline.
Comment: This sequence change replaces histidine, which is basic and polar, with glutamine, which is neutral and polar, at codon 904 of the MET protein (p.His904Gln). This variant is not present in population databases (gnomAD no frequency). This variant has not been reported in the literature in individuals affected with MET-related conditions. ClinVar contains an entry for this variant (Variation ID: 3395205). Invitae Evidence Modeling of protein sequence and biophysical properties (such as structural, functional, and spatial information, amino acid conservation, physicochemical variation, residue mobility, and thermodynamic stability) indicates that this missense variant is not expected to disrupt MET protein function with a negative predictive value of 80%. In summary, the available evidence is currently insufficient to determine the role of this variant in disease. Therefore, it has been classified as a Variant of Uncertain Significance.

Ambry Genetics
Classification: Uncertain significance for Hereditary cancer-predisposing syndrome. Last evaluated: 2024-11-22. Review status: criteria provided, single submitter. Criteria: Ambry Variant Classification Scheme 2023. Collection method: clinical testing. Allele origin: germline.
Comment: The p.H904Q variant (also known as c.2712C>G), located in coding exon 11 of the MET gene, results from a C to G substitution at nucleotide position 2712. The histidine at codon 904 is replaced by glutamine, an amino acid with highly similar properties. This amino acid position is conserved. In addition, this alteration is predicted to be tolerated by in silico analysis. Based on the available evidence, the clinical significance of this variant remains unclear.

NM_000245.4(MET):c.2658C>G (p.His886Gln)

Gene: MET (MET proto-oncogene, receptor tyrosine kinase; plus strand). Cytogenetic location: 7q31.2.
Variant type: single nucleotide variant.
Coding change: c.2658C>G on transcript NM_000245.4 (MANE Select); coding-DNA position 2658, C replaced by G.
Protein change: p.His886Gln; replaces histidine 886 with glutamine.
Molecular consequence: missense variant.
Genome position (GRCh38, 1-based): chr7:116,769,719, C>G. VCF-style: chr7-116769719-C-G. GRCh37 (hg19) VCF-style: chr7-116409773-C-G.
Other names: c.2712C>G, p.His904Gln (NM_001127500.3); c.2658C>G, p.His886Gln (NM_001324401.3); c.1368C>G, p.His456Gln (NM_001324402.2); short protein forms H904Q, H456Q, H886Q.
Identifiers: ClinVar variation 3395205 (VCV003395205.2).